The following is an entry in ClinVar:

ClinVar aggregate classification (germline): Likely pathogenic (1 of 4 stars; one submission).

Conditions:
Hereditary cancer-predisposing syndrome. Also called: Neoplastic Syndromes, Hereditary; Tumor predisposition; Hereditary neoplastic syndrome; Hereditary Cancer Syndrome. Identifiers: Orphanet 140162, MedGen C0027672, MeSH D009386, MONDO:0015356.

Submission:

Ambry Genetics
Classification: Likely pathogenic for Hereditary cancer-predisposing syndrome. Last evaluated: 2025-07-01. Review status: criteria provided, single submitter. Criteria: Ambry Variant Classification Scheme 2023. Collection method: clinical testing. Allele origin: germline.
Comment: The c.4001+4A>G intronic variant results from an A to G substitution 4 nucleotides after coding exon 9 in the MSH6 gene. This nucleotide position is conserved on limited sequence alignment. In silico splice site analysis predicts that this alteration will weaken the native splice donor site. RNA studies have demonstrated that this alteration results in abnormal splicing in the set of samples tested (Ambry internal data). This variant is considered to be rare based on population cohorts in the Genome Aggregation Database (gnomAD). Based on the majority of available evidence to date, this variant is likely to be pathogenic.

NM_000179.3(MSH6):c.4001+4A>G

Gene: MSH6 (mutS homolog 6; plus strand). Cytogenetic location: 2p16.3.
Variant type: single nucleotide variant.
Coding change: c.4001+4A>G on transcript NM_000179.3 (MANE Select); 4 bases into the intron after coding-DNA position 4001, A replaced by G.
Molecular consequence: intron variant.
Genome position (GRCh38, 1-based): chr2:47,806,655, A>G. VCF-style: chr2-47806655-A-G. GRCh37 (hg19) VCF-style: chr2-48033794-A-G.
Other names: c.3095+4A>G (NM_001281493.2, NM_001281494.2); c.3611+4A>G (NM_001281492.2).
Identifiers: ClinVar variation 824491 (VCV000824491.5), dbSNP rs1572748210, ClinGen allele CA915943987.